The following is an entry in ClinVar:

ClinVar aggregate classification (germline): Uncertain significance (1 of 4 stars; one submission).

Conditions:
Inborn genetic diseases. Identifiers: MedGen C0950123, MeSH D030342.

Submission:

Ambry Genetics
Classification: Uncertain significance for Inborn genetic diseases. Last evaluated: 2020-10-29. Review status: criteria provided, single submitter. Criteria: Ambry Variant Classification Scheme 2023. Collection method: clinical testing. Allele origin: germline.
Comment: The c.2134C>T (p.Q712*) alteration, located in exon 17 (coding exon 16) of the SEMA6B gene, consists of a C to T substitution at nucleotide position 2134. This changes the amino acid from a glutamine (Q) to a stop codon at amino acid position 712. This alteration occurs at the 3' terminus of the SEMA6B gene, is not expected to trigger nonsense-mediated mRNA decay, and only impacts the last ~20% of the protein. The exact functional effect of this alteration is unknown. Based on data from the Genome Aggregation Database (gnomAD), the SEMA6B c.2134C>T alteration was not observed, with coverage at this position. Based on insufficient or conflicting evidence, the clinical significance of this alteration remains unclear.

NM_032108.4(SEMA6B):c.2134C>T (p.Gln712Ter)

Gene: SEMA6B (semaphorin 6B; minus strand). Cytogenetic location: 19p13.3.
Variant type: single nucleotide variant.
Coding change: c.2134C>T on transcript NM_032108.4 (MANE Select); coding-DNA position 2134, C replaced by T.
Protein change: p.Gln712Ter; replaces glutamine 712 with a stop codon.
Molecular consequence: nonsense.
Genome position (GRCh38, 1-based): chr19:4,544,134, G>A on the plus strand (C>T on the coding strand, the complement: SEMA6B is on the minus strand). VCF-style: chr19-4544134-G-A. GRCh37 (hg19) VCF-style: chr19-4544146-G-A.
Other names: short protein forms Q712*.
Identifiers: ClinVar variation 985953 (VCV000985953.4), dbSNP rs1977099646, ClinGen allele CA403461156.